The following is an entry in ClinVar:

NM_015189.3(EXOC6B):c.2428C>T (p.His810Tyr)

Gene: EXOC6B (exocyst complex component 6B; minus strand). Cytogenetic location: 2p13.2.
Variant type: single nucleotide variant.
Coding change: c.2428C>T on transcript NM_015189.3 (MANE Select); coding-DNA position 2428, C replaced by T.
Protein change: p.His810Tyr; replaces histidine 810 with tyrosine.
Molecular consequence: missense variant. On other transcripts: 3 prime UTR variant (1), non-coding transcript variant (2).
Genome position (GRCh38, 1-based): chr2:72,179,343, G>A on the plus strand (C>T on the coding strand, the complement: EXOC6B is on the minus strand). VCF-style: chr2-72179343-G-A. GRCh37 (hg19) VCF-style: chr2-72406472-G-A.
Other names: c.2428C>T (NM_015189.1); c.2440C>T, p.His814Tyr (NM_001321729.2); c.2305C>T, p.His769Tyr (NM_001321730.2); c.*156C>T (NM_001321731.2); c.2293C>T, p.His765Tyr (NM_001321733.2); c.2101C>T, p.His701Tyr (NM_001321734.2); short protein forms H765Y, H769Y, H701Y, H814Y, H810Y.
Identifiers: ClinVar variation 1946245 (VCV001946245.6), dbSNP rs779524884, ClinGen allele CA1708206.

ClinVar aggregate classification (germline): Uncertain significance. Review status: criteria provided, multiple submitters, no conflicts (2 of 4 stars). 2 submissions from 2 submitters: Uncertain significance (2). Last evaluated 2024-05-20.

Allele frequency attached by ClinVar (database versions not stated): gnomAD exomes below 0.00001; gnomAD 0.00001; TOPMed 0.00001; ExAC 0.00004.
gnomAD v4.1: 4 of 1,608,282 alleles (0.00025%); highest among the groups gnomAD compares: East Asian, 0.0067%; no homozygotes.

Submissions (2):

Ambry Genetics
Classification: Uncertain significance. Last evaluated: 2024-05-20. Review status: criteria provided, single submitter. Criteria: Ambry Variant Classification Scheme 2023. Collection method: clinical testing. Allele origin: germline.

Labcorp Genetics (formerly Invitae), Labcorp
Classification: Uncertain significance. Last evaluated: 2022-07-24. Review status: criteria provided, single submitter. Criteria: Invitae Variant Classification Sherloc (09022015). Collection method: clinical testing. Allele origin: germline.
Comment: In summary, the available evidence is currently insufficient to determine the role of this variant in disease. Therefore, it has been classified as a Variant of Uncertain Significance. Experimental studies and prediction algorithms are not available or were not evaluated, and the functional significance of this variant is currently unknown. This variant has not been reported in the literature in individuals affected with EXOC6B-related conditions. This variant is present in population databases (rs779524884, gnomAD 0.03%). This sequence change replaces histidine, which is basic and polar, with tyrosine, which is neutral and polar, at codon 814 of the EXOC6B protein (p.His814Tyr).